The following is an entry in ClinVar:

ClinVar aggregate classification (germline): Uncertain significance (1 of 4 stars; one submission).

Conditions:
Inborn genetic diseases. Identifiers: MedGen C0950123, MeSH D030342.

gnomAD v4.1: 1 of 1,554,142 alleles (0.000064%); highest among the groups gnomAD compares: African/African-American, 0.0014%; no homozygotes.

Submission:

Ambry Genetics
Classification: Uncertain significance for Inborn genetic diseases. Last evaluated: 2026-06-23. Review status: criteria provided, single submitter. Criteria: Ambry Variant Classification Scheme 2023. Collection method: clinical testing. Allele origin: germline.
Comment: The c.1023+4C>G intronic alteration consists of a C to G substitution nucleotides after coding exon 9 in the DOCK6 gene. Based on data from gnomAD, the G allele has an overall frequency of 0.001% (1/159692) total alleles studied. The highest observed frequency was 0.012% (1/8380) of African alleles. Based on insufficient or conflicting evidence, the clinical significance of this alteration remains unclear.

NM_020812.4(DOCK6):c.1023+4C>G

Gene: DOCK6 (dedicator of cytokinesis 6; minus strand). Cytogenetic location: 19p13.2.
Variant type: single nucleotide variant.
Coding change: c.1023+4C>G on transcript NM_020812.4 (MANE Select); 4 bases into the intron after coding-DNA position 1023, C replaced by G.
Molecular consequence: intron variant.
Genome position (GRCh38, 1-based): chr19:11,245,559, G>C on the plus strand (C>G on the coding strand, the complement: DOCK6 is on the minus strand). VCF-style: chr19-11245559-G-C. GRCh37 (hg19) VCF-style: chr19-11356235-G-C.
Other names: c.1023+4C>G (NM_001367830.1).
Identifiers: ClinVar variation 5035556 (VCV005035556.1).